The following is an entry in ClinVar:

ClinVar aggregate classification (germline): Uncertain significance (1 of 4 stars; one submission).

Allele frequency attached by ClinVar (database versions not stated): gnomAD exomes below 0.00001; gnomAD 0.00001.
gnomAD v4.1: 4 of 1,611,076 alleles (0.00025%); highest among the groups gnomAD compares: African/African-American, 0.004%; no homozygotes.

Submission:

Labcorp Genetics (formerly Invitae), Labcorp
Classification: Uncertain significance. Last evaluated: 2023-03-09. Review status: criteria provided, single submitter. Criteria: Invitae Variant Classification Sherloc (09022015). Collection method: clinical testing. Allele origin: germline.
Comment: Variants that disrupt the consensus splice site are a relatively common cause of aberrant splicing (PMID: 17576681, 9536098). Algorithms developed to predict the effect of sequence changes on RNA splicing suggest that this variant is not likely to affect RNA splicing. This sequence change falls in intron 23 of the COL18A1 gene. It does not directly change the encoded amino acid sequence of the COL18A1 protein. It affects a nucleotide within the consensus splice site. This variant is present in population databases (no rsID available, gnomAD 0.008%). This variant has not been reported in the literature in individuals affected with COL18A1-related conditions. In summary, the available evidence is currently insufficient to determine the role of this variant in disease. Therefore, it has been classified as a Variant of Uncertain Significance.

Literature cited by the submitters: PubMed 17576681; PubMed 9536098.

NM_001379500.1(COL18A1):c.2188-3C>T

Gene: COL18A1 (collagen type XVIII alpha 1 chain; plus strand). Cytogenetic location: 21q22.3.
Variant type: single nucleotide variant.
Coding change: c.2188-3C>T on transcript NM_001379500.1 (MANE Select); 3 bases into the intron before coding-DNA position 2188, C replaced by T.
Molecular consequence: intron variant.
Genome position (GRCh38, 1-based): chr21:45,492,684, C>T. VCF-style: chr21-45492684-C-T. GRCh37 (hg19) VCF-style: chr21-46912598-C-T.
Other names: c.3433-3C>T (NM_130444.3); c.2728-3C>T (NM_030582.4).
Identifiers: ClinVar variation 2844560 (VCV002844560.3), dbSNP rs1173736064, ClinGen allele CA638163687.